The following is an entry in ClinVar:

ClinVar aggregate classification (germline): Uncertain significance (1 of 4 stars; one submission).

gnomAD v4.1: 1 of 1,613,986 alleles (0.000062%); no homozygotes.

Submission:

Women's Health and Genetics/Laboratory Corporation of America, LabCorp
Classification: Uncertain significance. Last evaluated: 2025-10-23. Review status: criteria provided, single submitter. Criteria: LabCorp Variant Classification Summary - May 2015. Collection method: clinical testing. Allele origin: germline.
Comment: Variant summary: AP2M1 c.83C>T (p.Ala28Val) results in a non-conservative amino acid change in the encoded protein sequence. Algorithms developed to predict the effect of missense changes on protein structure and function are either unavailable or do not agree on the potential impact of this missense change. The variant was absent in 248004 control chromosomes. The available data on variant occurrences in the general population are insufficient to allow any conclusion about variant significance. To our knowledge, no occurrence of c.83C>T in individuals affected with AP2M1-related conditions and no experimental evidence demonstrating its impact on protein function have been reported. No submitters have cited clinical-significance assessments for this variant to ClinVar. Based on the evidence outlined above, the variant was classified as uncertain significance.

NM_004068.4(AP2M1):c.83C>T (p.Ala28Val)

Gene: AP2M1 (adaptor related protein complex 2 subunit mu 1; plus strand). Cytogenetic location: 3q27.1.
Variant type: single nucleotide variant.
Coding change: c.83C>T on transcript NM_004068.4 (MANE Select); coding-DNA position 83, C replaced by T.
Protein change: p.Ala28Val; replaces alanine 28 with valine.
Molecular consequence: missense variant.
Genome position (GRCh38, 1-based): chr3:184,178,865, C>T. VCF-style: chr3-184178865-C-T. GRCh37 (hg19) VCF-style: chr3-183896653-C-T.
Other names: c.83C>T, p.Ala28Val (NM_001025205.2); c.158C>T, p.Ala53Val (NM_001311198.2); short protein forms A28V, A53V.
Identifiers: ClinVar variation 4687812 (VCV004687812.1).